The following is an entry in ClinVar:

NM_001365536.1(SCN9A):c.1675G>A (p.Gly559Ser)

Genes: SCN1A-AS1 (SCN1A and SCN9A antisense RNA 1; plus strand), SCN9A (sodium voltage-gated channel alpha subunit 9; minus strand). Cytogenetic location: 2q24.3.
Variant type: single nucleotide variant.
Coding change: c.1675G>A on transcript NM_001365536.1 (MANE Select); coding-DNA position 1675, G replaced by A.
Protein change: p.Gly559Ser; replaces glycine 559 with serine.
Molecular consequence: missense variant.
Genome position (GRCh38, 1-based): chr2:166,284,752, C>T on the plus strand (G>A on the coding strand, the complement: SCN9A is on the minus strand). VCF-style: chr2-166284752-C-T. GRCh37 (hg19) VCF-style: chr2-167141262-C-T.
Other names: c.1675G>A, p.Gly559Ser (NM_002977.4); short protein forms G559S.
Identifiers: ClinVar variation 430171 (VCV000430171.23), dbSNP rs201569378, ClinGen allele CA1944450.

ClinVar aggregate classification (germline): Uncertain significance. Review status: criteria provided, multiple submitters, no conflicts (2 of 4 stars). 6 submissions from 6 submitters: Uncertain significance (6). Last evaluated 2026-07-20.

Conditions:
SCN9A-related disorder. Also called: SCN9A-related disorders; SCN9A-related condition.
Inborn genetic diseases. Identifiers: MedGen C0950123, MeSH D030342.
Generalized epilepsy with febrile seizures plus, type 7 (GEFSP7). Also called: GEFS+, TYPE 7. Identifiers: Orphanet 36387, MedGen C2751778, MONDO:0013470, OMIM 613863.
Neuropathy, hereditary sensory and autonomic, type 2A (HSAN2A). Also called: ACROOSTEOLYSIS, GIACCAI TYPE; ACROOSTEOLYSIS, NEUROGENIC; HSAN IIA; WNK1-Related HSAN2 (HSAN2A); MORVAN DISEASE; NEUROPATHY, CONGENITAL SENSORY. Identifiers: Orphanet 970, MedGen C2752089, MONDO:0024309, OMIM 201300.

Allele frequency attached by ClinVar (database versions not stated): ESP Exome Variant Server 0.00008; gnomAD exomes 0.00009; TOPMed 0.00011; gnomAD 0.00012 and 0.00013.
gnomAD v4.1: 228 of 1,613,732 alleles (0.014%); highest among the groups gnomAD compares: Non-Finnish European, 0.018%; no homozygotes.

Submissions (6):

PreventionGenetics, part of Exact Sciences
Classification: Uncertain significance for SCN9A-related condition. Last evaluated: 2026-07-20. Review status: criteria provided, single submitter. Criteria: ACMG Guidelines, 2015. Collection method: clinical testing. Allele origin: germline.
Comment: The SCN9A c.1675G>A variant is predicted to result in the amino acid substitution p.Gly559Ser. This variant has been reported in an individual with Dravet syndrome; however, this patient also had a de novo SCN1A variant (Mulley et al. 2013. PubMed ID: 23895530). This variant was also reported as a variant of uncertain significance in an individual with developmental epileptic encephalopathy (Riza et al. 2022. PubMed ID: 35886038). This variant is reported in 0.017% of alleles in individuals of European (non-Finnish) descent in gnomAD, which may be too frequent to be a primary cause of an autosomal dominant disease. At this time, the clinical significance of this variant is uncertain due to the absence of conclusive functional and genetic evidence.

Labcorp Genetics (formerly Invitae), Labcorp
Classification: Uncertain significance for Neuropathy, hereditary sensory and autonomic, type 2A; Generalized epilepsy with febrile seizures plus, type 7. Last evaluated: 2025-11-12. Review status: criteria provided, single submitter. Criteria: Invitae Variant Classification Sherloc (09022015). Collection method: clinical testing. Allele origin: germline.
Comment: This sequence change replaces glycine, which is neutral and non-polar, with serine, which is neutral and polar, at codon 559 of the SCN9A protein (p.Gly559Ser). This variant is present in population databases (rs201569378, gnomAD 0.02%). This missense change has been observed in individual(s) with Dravet syndrome (PMID: 23895530, 35886038). ClinVar contains an entry for this variant (Variation ID: 430171). Invitae Evidence Modeling of protein sequence and biophysical properties (such as structural, functional, and spatial information, amino acid conservation, physicochemical variation, residue mobility, and thermodynamic stability) has been performed for this missense variant. However, the output from this modeling did not meet the statistical confidence thresholds required to predict the impact of this variant on SCN9A protein function. In summary, the available evidence is currently insufficient to determine the role of this variant in disease. Therefore, it has been classified as a Variant of Uncertain Significance.

Women's Health and Genetics/Laboratory Corporation of America, LabCorp
Classification: Uncertain significance. Last evaluated: 2025-11-12. Review status: criteria provided, single submitter. Criteria: LabCorp Variant Classification Summary - May 2015. Collection method: clinical testing. Allele origin: germline.
Comment: Variant summary: SCN9A c.1675G>A (p.Gly559Ser) results in a non-conservative amino acid change in the encoded protein sequence. Algorithms developed to predict the effect of missense changes on protein structure and function all suggest that this variant is likely to be disruptive. The variant allele was found at a frequency of 8.8e-05 in 248790 control chromosomes. This frequency is not significantly higher than estimated for disease-causing variants in SCN9A, allowing no conclusion about variant significance. c.1675G>A has been observed in individual(s) affected with Dravet syndrome (Riza_2022, Mulley_2013). These report(s) do not provide unequivocal conclusions about association of the variant with Channelopathy-Associated Congenital Insensitivity To Pain, Autosomal Recessive. To our knowledge, no experimental evidence demonstrating an impact on protein function has been reported. The following publications have been ascertained in the context of this evaluation (PMID: 23895530, 35886038). ClinVar contains an entry for this variant (Variation ID: 430171). Based on the evidence outlined above, the variant was classified as uncertain significance.

GeneDx
Classification: Uncertain significance. Last evaluated: 2022-09-07. Review status: criteria provided, single submitter. Criteria: GeneDx Variant Classification Process June 2021. Collection method: clinical testing. Allele origin: germline. Affected: yes.
Comment: In silico analysis supports that this missense variant has a deleterious effect on protein structure/function; This variant is associated with the following publications: (PMID: 35886038, 23895530)

Ambry Genetics
Classification: Uncertain significance for Inborn genetic diseases. Last evaluated: 2019-12-19. Review status: criteria provided, single submitter. Criteria: Ambry Variant Classification Scheme 2023. Collection method: clinical testing. Allele origin: germline.
Comment: The p.G559S variant (also known as c.1675G>A), located in coding exon 11 of the SCN9A gene, results from a G to A substitution at nucleotide position 1675. The glycine at codon 559 is replaced by serine, an amino acid with similar properties. This amino acid position is not well conserved in available vertebrate species. In addition, the in silico prediction for this alteration is inconclusive. Since supporting evidence is limited at this time, the clinical significance of this alteration remains unclear.

ARUP Laboratories, Molecular Genetics and Genomics, ARUP Laboratories
Classification: Uncertain significance. Last evaluated: 2019-06-26. Review status: criteria provided, single submitter. Criteria: ARUP Molecular Germline Variant Investigation Process. Collection method: clinical testing. Allele origin: germline.

Literature cited by the submitters: PubMed 23895530 (cited by Labcorp Genetics (formerly Invitae), Labcorp and Women's Health and Genetics/Laboratory Corporation of America, LabCorp); PubMed 35886038 (cited by Labcorp Genetics (formerly Invitae), Labcorp and Women's Health and Genetics/Laboratory Corporation of America, LabCorp).